The following is an entry in ClinVar:

ClinVar aggregate classification (germline): Uncertain significance. Review status: criteria provided, multiple submitters, no conflicts (2 of 4 stars). 4 submissions from 4 submitters: Uncertain significance (3). 1 of the submissions does not count toward it. Last evaluated 2021-10-15.

Conditions:
Alstrom syndrome (ALMS). Identifiers: Orphanet 64, MedGen C0268425, MONDO:0008763, OMIM 203800.
Cardiovascular phenotype. Identifiers: MedGen CN230736.

Allele frequency attached by ClinVar (database versions not stated): ExAC 0.00001; gnomAD exomes 0.00002; gnomAD 0.00003; TOPMed 0.00003.
gnomAD v4.1: 10 of 1,613,654 alleles (0.00062%); highest among the groups gnomAD compares: Admixed American, 0.017%; no homozygotes.

Submissions (4):

Fulgent Genetics
Classification: Uncertain significance for Alstrom syndrome. Last evaluated: 2021-10-15. Review status: criteria provided, single submitter. Criteria: ACMG Guidelines, 2015. Collection method: clinical testing. Allele origin: unknown.

Ambry Genetics
Classification: Uncertain significance for Cardiovascular phenotype. Last evaluated: 2020-10-09. Review status: criteria provided, single submitter. Criteria: Ambry Variant Classification Scheme 2023. Collection method: clinical testing. Allele origin: germline.
Comment: The p.D704H variant (also known as c.2110G>C), located in coding exon 8 of the ALMS1 gene, results from a G to C substitution at nucleotide position 2110. The aspartic acid at codon 704 is replaced by histidine, an amino acid with similar properties. This amino acid position is not well conserved in available vertebrate species. In addition, this alteration is predicted to be tolerated by in silico analysis. Since supporting evidence is limited at this time, the clinical significance of this alteration remains unclear.

Labcorp Genetics (formerly Invitae), Labcorp
Classification: Uncertain significance for Alstrom syndrome. Last evaluated: 2020-01-20. Review status: criteria provided, single submitter. Criteria: Invitae Variant Classification Sherloc (09022015). Collection method: clinical testing. Allele origin: germline.
Comment: This sequence change replaces aspartic acid with histidine at codon 704 of the ALMS1 protein (p.Asp704His). The aspartic acid residue is moderately conserved and there is a moderate physicochemical difference between aspartic acid and histidine. This variant is present in population databases (rs756176783, ExAC 0.009%). This variant has not been reported in the literature in individuals with ALMS1-related conditions. Experimental studies and prediction algorithms are not available or were not evaluated, and the functional significance of this variant is currently unknown. In summary, the available evidence is currently insufficient to determine the role of this variant in disease. Therefore, it has been classified as a Variant of Uncertain Significance.

Natera, Inc.
Classification: Uncertain significance for Alstrom syndrome. Last evaluated: 2021-03-25. Review status: no assertion criteria provided. Collection method: clinical testing. Allele origin: germline. Not counted in ClinVar's aggregate classification.

NM_001378454.1(ALMS1):c.2107G>C (p.Asp703His)

Gene: ALMS1 (ALMS1 centrosome and basal body associated protein; plus strand). Cytogenetic location: 2p13.1.
Variant type: single nucleotide variant.
Coding change: c.2107G>C on transcript NM_001378454.1 (MANE Select); coding-DNA position 2107, G replaced by C.
Protein change: p.Asp703His; replaces aspartic acid 703 with histidine.
Molecular consequence: missense variant.
Genome position (GRCh38, 1-based): chr2:73,448,634, G>C. VCF-style: chr2-73448634-G-C. GRCh37 (hg19) VCF-style: chr2-73675761-G-C.
Other names: c.2110G>C, p.Asp704His (NM_015120.4); short protein forms D703H, D704H.
Identifiers: ClinVar variation 1002417 (VCV001002417.8), dbSNP rs756176783, ClinGen allele CA1713279.